The following is an entry in ClinVar:

ClinVar aggregate classification (germline): Uncertain significance (1 of 4 stars; one submission).

Conditions:
Autoinflammatory disease, multisystem, with immune dysregulation, X-linked (ADMIDX). Identifiers: MedGen C5829577, MONDO:0957494, OMIM 301109.

gnomAD v4.1: 1 of 1,205,974 alleles (0.000083%); no homozygotes.

Submission:

Clinical Genomics Laboratory, Washington University in St. Louis
Classification: Uncertain significance for Autoinflammatory disease, multisystem, with immune dysregulation, X-linked. Last evaluated: 2026-03-19. Review status: criteria provided, single submitter. Criteria: ACMG Guidelines, 2015. Collection method: clinical testing. Allele origin: germline.
Comment: The DOCK11 c.5497A>G (p.Ile1833Val) variant, to our knowledge, has not been reported in the medical literature and is absent from the general population (gnomAD v2.1.1), indicating it is not a common variant. This variant occurs in the DHR-2 domain, which contains the catalytic GEF activity and at least three pathogenic missense variants (Elsayed A et al., PMID: 40274249), but computational predictors suggest that the variant does not impact DOCK11 function. Due to limited information, and based on ACMG/AMP guidelines for variant interpretation (Richards S et al., PMID: 25741868), the clinical significance of this variant is uncertain at this time.

NM_144658.4(DOCK11):c.5497A>G (p.Ile1833Val)

Gene: DOCK11 (dedicator of cytokinesis 11; plus strand). Cytogenetic location: Xq24.
Variant type: single nucleotide variant.
Coding change: c.5497A>G on transcript NM_144658.4 (MANE Select); coding-DNA position 5497, A replaced by G.
Protein change: p.Ile1833Val; replaces isoleucine 1833 with valine.
Molecular consequence: missense variant.
Genome position (GRCh38, 1-based): chrX:118,680,518, A>G. VCF-style: chrX-118680518-A-G. GRCh37 (hg19) VCF-style: chrX-117814481-A-G.
Other names: short protein forms I1833V.
Identifiers: ClinVar variation 4879255 (VCV004879255.1).